The following is an entry in ClinVar:

NM_017662.5(TRPM6):c.1134+87del

Gene: TRPM6 (transient receptor potential cation channel subfamily M member 6; minus strand). Cytogenetic location: 9q21.13.
Variant type: Deletion.
Coding change: c.1134+87del on transcript NM_017662.5 (MANE Select); 87 bases into the intron after coding-DNA position 1134, one base deleted (A; older notation c.1134+87delA).
Molecular consequence: intron variant.
Genome position (GRCh38, 1-based): chr9:74,820,217, T deleted on the plus strand (A on the coding strand, the reverse complement: TRPM6 is on the minus strand); the first of 9 consecutive T bases (chr9:74,820,217-74,820,225); deleting any one gives the same sequence. VCF-style (leftmost placement, unchanged base first): chr9-74820216-GT-G. GRCh37 (hg19) VCF-style: chr9-77435132-GT-G.
Other names: c.1119+87del (NM_001177310.2, NM_001177311.2).
Identifiers: ClinVar variation 1693327 (VCV001693327.2), dbSNP rs201215912, ClinGen allele CA194326630.
Genomic context (GRCh38, chr9:74,820,216, plus strand): 5'-TCCCTCCCCCCTCCACCCTGACAGGCCCCTGTATGTTGTTCCCCTTCCTGTGTCCACCAT[GT>G]TTTTTTTTAATTGTGAAAATAAATATTACAGTGTTTATAAATTAGCAGTTCTTAAGTCAG-3'

ClinVar aggregate classification (germline): Likely benign (1 of 4 stars; one submission).

Submission:

GeneDx
Classification: Likely benign. Last evaluated: 2021-10-11. Review status: criteria provided, single submitter. Criteria: GeneDx Variant Classification Process June 2021. Collection method: clinical testing. Allele origin: germline. Affected: yes.
Comment: See Variant Classification Assertion Criteria.